The following is an entry in ClinVar:

ClinVar aggregate classification (germline): Conflicting classifications of pathogenicity. Review status: criteria provided, conflicting classifications (1 of 4 stars). 2 submissions from 2 submitters: Uncertain significance (1); Likely benign (1). Last evaluated 2026-07-14.

Conditions:
Hereditary cancer-predisposing syndrome. Also called: Tumor predisposition; Hereditary neoplastic syndrome; Hereditary Cancer Syndrome; Neoplastic Syndromes, Hereditary. Identifiers: Orphanet 140162, MedGen C0027672, MeSH D009386, MONDO:0015356.

Submissions (2):

Ambry Genetics
Classification: Likely benign for Hereditary cancer-predisposing syndrome. Last evaluated: 2026-07-14. Review status: criteria provided, single submitter. Criteria: Ambry Variant Classification Scheme 2023. Collection method: clinical testing. Allele origin: germline.

GeneDx
Classification: Uncertain significance. Last evaluated: 2014-01-20. Review status: criteria provided, single submitter. Criteria: GeneDx Variant Classification (06012015). Collection method: clinical testing. Allele origin: germline. Affected: yes.
Comment: This variant is denoted BRIP1 c.2933G>A at the cDNA level, p.Gly978Glu (G978E) at the protein level, and results in the change of a Glycine to a Glutamic Acid (GGG>GAG). This variant has not, to our knowledge, been published in the literature as pathogenic or benign. BRIP1 Gly978Glu was not observed in approximately 6,500 individuals of European and African American ancestry in the NHLBI Exome Sequencing Project, indicating it is not a common benign variant in these populations. This variant is a non-conservative substitution in which a neutral non-polar amino acid is replaced with a negative polar one, altering a position that is highly variable throughout evolution and is located in the region of interaction with BRCA1 via UniProt. In silico analyses predict this variant to have a benign effect on protein structure and function. Based on currently available information, it is unclear whether BRIP1 Gly978Glu is pathogenic or benign. We consider it to be a variant of uncertain significance. Furthermore, BRIP1 has been only recently described in association with cancer predisposition and the risks are not well understood.

NM_032043.3(BRIP1):c.2933G>A (p.Gly978Glu)

Gene: BRIP1 (BRCA1 interacting DNA helicase 1; minus strand). Cytogenetic location: 17q23.2.
Variant type: single nucleotide variant.
Coding change: c.2933G>A on transcript NM_032043.3 (MANE Select); coding-DNA position 2933, G replaced by A.
Protein change: p.Gly978Glu; replaces glycine 978 with glutamic acid.
Molecular consequence: missense variant.
Genome position (GRCh38, 1-based): chr17:61,684,113, C>T on the plus strand (G>A on the coding strand, the complement: BRIP1 is on the minus strand). VCF-style: chr17-61684113-C-T. GRCh37 (hg19) VCF-style: chr17-59761474-C-T.
Other names: p.G978E:GGG>GAG; short protein forms G978E.
Identifiers: ClinVar variation 128182 (VCV000128182.3), dbSNP rs587780246, ClinGen allele CA288576.